The following is an entry in ClinVar:

NM_001379500.1(COL18A1):c.62C>G (p.Pro21Arg)

Genes: BNAT1 (breast cancer associated ESR1 regulating natural antisense transcript 1; minus strand), COL18A1 (collagen type XVIII alpha 1 chain; plus strand). Cytogenetic location: 21q22.3.
Variant type: single nucleotide variant.
Coding change: c.62C>G on transcript NM_001379500.1 (MANE Select); coding-DNA position 62, C replaced by G.
Protein change: p.Pro21Arg; replaces proline 21 with arginine.
Molecular consequence: missense variant.
Genome position (GRCh38, 1-based): chr21:45,405,429, C>G. VCF-style: chr21-45405429-C-G. GRCh37 (hg19) VCF-style: chr21-46825344-C-G.
Other names: short protein forms P21R.
Identifiers: ClinVar variation 1513409 (VCV001513409.1), dbSNP rs2123483755, ClinGen allele CA410620357.

ClinVar aggregate classification (germline): Uncertain significance (1 of 4 stars; one submission).

gnomAD v4.1: 1 of 1,373,246 alleles (0.000073%); highest among the groups gnomAD compares: Non-Finnish European, 0.000095%; no homozygotes.

Submission:

Labcorp Genetics (formerly Invitae), Labcorp
Classification: Uncertain significance. Last evaluated: 2021-05-12. Review status: criteria provided, single submitter. Criteria: Invitae Variant Classification Sherloc (09022015). Collection method: clinical testing. Allele origin: germline.
Comment: This sequence change replaces proline with arginine at codon 21 of the COL18A1 protein (p.Pro21Arg). The proline residue is weakly conserved and there is a moderate physicochemical difference between proline and arginine. The frequency data for this variant in the population databases is considered unreliable, as metrics indicate insufficient coverage at this position in the ExAC database. This variant has not been reported in the literature in individuals with COL18A1-related conditions. Experimental studies and prediction algorithms are not available or were not evaluated, and the functional significance of this variant is currently unknown. In summary, the available evidence is currently insufficient to determine the role of this variant in disease. Therefore, it has been classified as a Variant of Uncertain Significance.